The following is an entry in ClinVar:

NM_015346.4(ZFYVE26):c.2021G>A (p.Gly674Asp)

Gene: ZFYVE26 (zinc finger FYVE-type containing 26; minus strand). Cytogenetic location: 14q24.1.
Variant type: single nucleotide variant.
Coding change: c.2021G>A on transcript NM_015346.4 (MANE Select); coding-DNA position 2021, G replaced by A.
Protein change: p.Gly674Asp; replaces glycine 674 with aspartic acid.
Molecular consequence: missense variant.
Genome position (GRCh38, 1-based): chr14:67,798,241, C>T on the plus strand (G>A on the coding strand, the complement: ZFYVE26 is on the minus strand). VCF-style: chr14-67798241-C-T. GRCh37 (hg19) VCF-style: chr14-68264958-C-T.
Other names: short protein forms G674D.
Identifiers: ClinVar variation 2684004 (VCV002684004.1), dbSNP rs1442699861, ClinGen allele CA390175351.

ClinVar aggregate classification (germline): Uncertain significance (1 of 4 stars; one submission).

gnomAD v4.1: 8 of 1,614,172 alleles (0.0005%); highest among the groups gnomAD compares: Non-Finnish European, 0.00068%; no homozygotes.

Submission:

Athena Diagnostics
Classification: Uncertain significance. Last evaluated: 2023-06-27. Review status: criteria provided, single submitter. Criteria: Athena Diagnostics Criteria. Collection method: clinical testing. Allele origin: unknown.
Comment: Available data are insufficient to determine the clinical significance of the variant at this time. The frequency of this variant in the general population is uninformative in assessment of its pathogenicity. Computational tools predict that this variant is not damaging.